The following is an entry in ClinVar:

NM_001384140.1(PCDH15):c.1997+1G>A

Gene: PCDH15 (protocadherin related 15; minus strand). Cytogenetic location: 10q21.1.
Variant type: single nucleotide variant.
Coding change: c.1997+1G>A on transcript NM_001384140.1 (MANE Select); the canonical splice donor site of the intron after coding-DNA position 1997, G replaced by A.
Molecular consequence: splice donor variant. On other transcripts: intron variant (1).
Genome position (GRCh38, 1-based): chr10:54,089,983, C>T on the plus strand (G>A on the coding strand, the complement: PCDH15 is on the minus strand). VCF-style: chr10-54089983-C-T. GRCh37 (hg19) VCF-style: chr10-55849743-C-T.
Other names: c.1997+1G>A (NM_001354420.2, NM_001354429.2, NM_001142772.2 and 5 more transcripts); c.2012+1G>A (NM_001142771.2, NM_001142763.2); c.2018+1G>A (NM_001354411.2); c.2033+1G>A (NM_001142769.3); c.1931+1G>A (NM_001354404.2, NM_001142773.2, NM_001142768.2); c.1886+1G>A (NM_001142767.2); c.1785-10559G>A (NM_001142765.2).
Identifiers: ClinVar variation 379720 (VCV000379720.20), dbSNP rs763797356, ClinGen allele CA5506182.

ClinVar aggregate classification (germline): Pathogenic/Likely pathogenic. Review status: criteria provided, multiple submitters, no conflicts (2 of 4 stars). 11 submissions from 11 submitters: Pathogenic (6); Likely pathogenic (4). 1 of the submissions does not count toward it. Last evaluated 2025-06-09.

Conditions:
Retinal dystrophy. Also called: Inherited retinal dystrophy. Identifiers: Orphanet 71862, MedGen C0854723, MeSH D058499, MONDO:0019118, HP:0000556.
Autosomal recessive nonsyndromic hearing loss 23. Identifiers: Orphanet 90636, MedGen C1836027, MONDO:0012293, OMIM 609533.
Usher syndrome type 1D (USH1D). Also called: USHER SYNDROME, TYPE ID. Identifiers: Orphanet 231169, Orphanet 886, MedGen C1832845, MONDO:0010984, OMIM 601067.
Usher syndrome type 1F (USH1F). Also called: USHER SYNDROME, TYPE IF. Identifiers: Orphanet 231169, Orphanet 886, MedGen C1865885, MONDO:0011186, OMIM 602083.
PCDH15-related disorder. Also called: PCDH15-related disorders; PCDH15-related condition.

Allele frequency attached by ClinVar (database versions not stated): ExAC 0.00001; gnomAD 0.00001; TOPMed 0.00002; gnomAD exomes 0.00001.
gnomAD v4.1: 21 of 1,601,786 alleles (0.0013%); highest among the groups gnomAD compares: East Asian, 0.0022%; no homozygotes.

Submissions (11):

Natera, Inc.
Classification: Pathogenic for Usher syndrome type 1F. Last evaluated: 2025-06-09. Review status: criteria provided, single submitter. Criteria: Natera Variant Classification Schema (03/2026). Collection method: clinical testing. Allele origin: germline.
Comment: The c.1997+1G>A variant in PCDH15 is a canonical splice donor site variant predicted to affect pre-mRNA splicing, which may result in an abnormal transcript and altered protein product. This variant is expected to result in nonsense mediated decay, truncation, or a dysfunctional protein product. This variant is rare in the general population with a frequency below the threshold expected for the associated phenotype(s). This variant has been observed in one or more individuals affected with the associated recessive disease, as either homozygous or compound heterozygous with a second variant (PMID: 34744965). Given the available evidence, this variant is classified as Pathogenic.

PreventionGenetics, part of Exact Sciences
Classification: Pathogenic for PCDH15-related condition. Last evaluated: 2025-05-15. Review status: criteria provided, single submitter. Criteria: ACMG Guidelines, 2015. Collection method: clinical testing. Allele origin: germline.
Comment: The PCDH15 c.1997+1G>A variant is predicted to disrupt the GT donor site and interfere with normal splicing. This variant has been reported in the compound heterozygous state in individuals with hearing loss and/or retinal disease (Table S2, Guan et al. 2021. PubMed ID: 34416374; Table S1, Weisschuh et al. 2024. PubMed ID: 37734845; Table S1, Lin et al. 2024. PubMed ID: 38219857). This variant is present in 0.0054% of alleles in individuals of East Asian descent in gnomAD. Variants that disrupt the consensus splice donor site in PCDH15 are an established mechanism of disease. This variant is interpreted as pathogenic.

Labcorp Genetics (formerly Invitae), Labcorp
Classification: Pathogenic. Last evaluated: 2025-03-17. Review status: criteria provided, single submitter. Criteria: Invitae Variant Classification Sherloc (09022015). Collection method: clinical testing. Allele origin: germline.
Comment: This sequence change affects a donor splice site in intron 16 of the PCDH15 gene. It is expected to disrupt RNA splicing. Variants that disrupt the donor or acceptor splice site typically lead to a loss of protein function (PMID: 16199547), and loss-of-function variants in PCDH15 are known to be pathogenic (PMID: 11398101, 11487575, 14570705). This variant is present in population databases (rs763797356, gnomAD 0.006%). Disruption of this splice site has been observed in individuals with PCDH15-related conditions (PMID: 34416374, 34744965). ClinVar contains an entry for this variant (Variation ID: 379720). Algorithms developed to predict the effect of sequence changes on RNA splicing suggest that this variant may disrupt the consensus splice site. For these reasons, this variant has been classified as Pathogenic.

Blueprint Genetics
Classification: Pathogenic for PCDH15-related disorders. Last evaluated: 2024-10-09. Review status: criteria provided, single submitter. Criteria: ACMG Guidelines, 2015. Collection method: clinical testing. Allele origin: germline. Affected: yes. Observed: 4 variant alleles.

Baylor Genetics
Classification: Likely pathogenic for Autosomal recessive nonsyndromic hearing loss 23. Last evaluated: 2024-02-06. Review status: criteria provided, single submitter. Criteria: ACMG Guidelines, 2015. Collection method: clinical testing. Allele origin: unknown.

Broad Center for Mendelian Genomics, Broad Institute of MIT and Harvard
Classification: Likely pathogenic for Usher syndrome type 1F. Last evaluated: 2023-01-24. Review status: criteria provided, single submitter. Criteria: ACMG Guidelines, 2015. Collection method: curation. Allele origin: germline. Inheritance: Autosomal recessive inheritance.
Comment: The c.1997+1G>A variant in PCDH15 has been reported in 1 individual. in the compound heterozygous state, with Usher syndrome type 1F (PMID: 34416374) and has been identified in 0.005% (1/18366) of East Asian chromosomes by the Genome Aggregation Database (gnomAD; dbSNP ID: rs763797356). Although this variant has been seen in the general population in a heterozygous state, its frequency is low enough to be consistent with a recessive carrier frequency. This variant has also been reported in ClinVar (Variation ID#: 379720) and has been interpreted as pathogenic or likely pathogenic by Invitae, GeneDx, and Institute of Medical Genetics and Applied Genomics (University Hospital T√ºbingen). This variant is located in the 3' splice region. Computational tools predict a splicing impact, though this information is not predictive enough to determine pathogenicity. Loss of function of the PCDH15 gene is an established disease mechanism in autosomal recessive Usher syndrome type 1F. In summary, although additional studies are required to fully establish its clinical significance, this variant is likely pathogenic for autosomal recessive Usher syndrome type 1F. ACMG/AMP Criteria applied: PVS1, PM2 (Richards 2015).

Women's Health and Genetics/Laboratory Corporation of America, LabCorp
Classification: Likely pathogenic for Usher syndrome type 1F. Last evaluated: 2022-10-19. Review status: criteria provided, single submitter. Criteria: LabCorp Variant Classification Summary - May 2015. Collection method: clinical testing. Allele origin: germline.
Comment: Variant summary: PCDH15 c.1997+1G>A is located in a canonical splice-site and is predicted to affect mRNA splicing resulting in a significantly altered protein due to either exon skipping, shortening, or inclusion of intronic material. Several computational tools predict a significant impact on normal splicing: Four predict the variant abolishes a 5' splicing donor site. However, these predictions have yet to be confirmed by functional studies. The variant allele was found at a frequency of 8e-06 in 250238 control chromosomes (gnomAD). c.1997+1G>A has been reported in the literature as a homozygous and compound heterozygous genotype in individuals affected with Usher Syndrome Type 1F (Wang_2021 and Guan_2021). These data indicate that the variant may be associated with disease. To our knowledge, no experimental evidence demonstrating an impact on protein function has been reported. Three clinical diagnostic laboratories have submitted clinical-significance assessments for this variant to ClinVar after 2014 without evidence for independent evaluation. All laboratories classified the variant as pathogenic (n=1) likely pathogenic (n=2). Based on the evidence outlined above, the variant was classified as likely pathogenic.

Institute of Medical Genetics and Applied Genomics, University Hospital Tübingen
Classification: Likely pathogenic. Last evaluated: 2020-10-23. Review status: criteria provided, single submitter. Criteria: ACMG Guidelines, 2015. Collection method: clinical testing. Allele origin: germline. Inheritance: Unknown mechanism. Affected: yes.

GeneDx
Classification: Pathogenic. Last evaluated: 2015-05-14. Review status: criteria provided, single submitter. Criteria: GeneDx Variant Classification (06012015). Collection method: clinical testing. Allele origin: germline. Affected: yes.
Comment: The c.1997+1 G>A splice site variant in the PCDH15 gene destroys the canonical splice donor site inintron 16. It is also predicted to cause abnormal gene splicing, either leading to an abnormal message that issubject to nonsense-mediated mRNA decay, or to an abnormal protein product if the message is used forprotein translation. The c.1997+1 G>A variant was not observed in approximately 6,500 individuals ofEuropean and African American ancestry in the NHLBI Exome Sequencing Project, indicating it is not acommon benign variant in these populations. Although this variant has not been previously reportedto our knowledge, we interpret it as pathogenic.

Juno Genomics, Hangzhou Juno Genomics, Inc
Classification: Pathogenic for Usher syndrome type 1D; Usher syndrome type 1F; Autosomal recessive nonsyndromic hearing loss 23. Review status: criteria provided, single submitter. Criteria: ACMG Guidelines, 2015. Collection method: clinical testing. Allele origin: germline.
Comment: Absent from controls (or at extremely low frequency if recessive) in Genome Aggregation Database.;Null variant in a gene where loss of function (LOF) is a known mechanism of disease.;For recessive disorders, detected in trans with a pathogenic variant.

Institute of Human Genetics, Univ. Regensburg, Univ. Regensburg
Classification: Pathogenic for Retinal dystrophy. Last evaluated: 2018-01-01. Review status: no assertion criteria provided. Criteria: ACMG Guidelines, 2015. Collection method: clinical testing. Allele origin: germline. Affected: yes. Not counted in ClinVar's aggregate classification.

Literature cited by the submitters: PubMed 34744965 (cited by 3 submitters); PubMed 16199547 (cited by Labcorp Genetics (formerly Invitae), Labcorp); PubMed 11398101 (cited by Labcorp Genetics (formerly Invitae), Labcorp); PubMed 11487575 (cited by Labcorp Genetics (formerly Invitae), Labcorp); PubMed 14570705 (cited by Labcorp Genetics (formerly Invitae), Labcorp); PubMed 34416374 (cited by Labcorp Genetics (formerly Invitae), Labcorp and Women's Health and Genetics/Laboratory Corporation of America, LabCorp).